The following is an entry in ClinVar:

NM_015354.3(NUP188):c.4737+5T>G

Gene: NUP188 (nucleoporin 188; plus strand). Cytogenetic location: 9q34.11.
Variant type: single nucleotide variant.
Coding change: c.4737+5T>G on transcript NM_015354.3 (MANE Select); 5 bases into the intron after coding-DNA position 4737, T replaced by G.
Molecular consequence: intron variant.
Genome position (GRCh38, 1-based): chr9:129,005,535, T>G. VCF-style: chr9-129005535-T-G. GRCh37 (hg19) VCF-style: chr9-131767814-T-G.
Other names: c.4737+5T>G (NM_015354.2).
Identifiers: ClinVar variation 2230681 (VCV002230681.4), dbSNP rs1180766210, ClinGen allele CA1129380578.

ClinVar aggregate classification (germline): Uncertain significance. Review status: criteria provided, single submitter (1 of 4 stars). 2 submissions from 2 submitters: Uncertain significance (1). 1 of the submissions does not count toward it. Last evaluated 2022-04-19.

Conditions:
Inborn genetic diseases. Identifiers: MedGen C0950123, MeSH D030342.
NUP188-related disorder. Also called: NUP188-related condition.

Submissions (2):

Ambry Genetics
Classification: Uncertain significance for Inborn genetic diseases. Last evaluated: 2022-04-19. Review status: criteria provided, single submitter. Criteria: Ambry Variant Classification Scheme 2023. Collection method: clinical testing. Allele origin: germline.
Comment: The c.4737+5T>G intronic alteration consists of a T to G substitution 5 nucleotides after exon 40 of the NUP188 gene. Based on insufficient or conflicting evidence, the clinical significance of this alteration remains unclear.

PreventionGenetics, part of Exact Sciences
Classification: Likely benign for NUP188-related condition. Last evaluated: 2019-06-24. Review status: no assertion criteria provided. Collection method: clinical testing. Allele origin: germline. Not counted in ClinVar's aggregate classification.
Comment: This variant is classified as likely benign based on ACMG/AMP sequence variant interpretation guidelines (Richards et al. 2015 PMID: 25741868, with internal and published modifications).